The following is an entry in ClinVar:

ClinVar aggregate classification (germline): Uncertain significance (1 of 4 stars; one submission).

Submission:

GeneDx
Classification: Uncertain significance. Last evaluated: 2023-06-07. Review status: criteria provided, single submitter. Criteria: GeneDx Variant Classification Process June 2021. Collection method: clinical testing. Allele origin: germline. Affected: yes.
Comment: Not observed at significant frequency in large population cohorts (gnomAD); In silico analysis supports that this missense variant has a deleterious effect on protein structure/function; Missense variants in this gene are often considered pathogenic (HGMD); This substitution is predicted to be within the cytoplasmic loop between the first and second homologous domains; Has not been previously published as pathogenic or benign to our knowledge

NM_001165963.4(SCN1A):c.2284A>T (p.Asn762Tyr)

Gene: SCN1A (sodium voltage-gated channel alpha subunit 1; minus strand). Cytogenetic location: 2q24.3.
Variant type: single nucleotide variant.
Coding change: c.2284A>T on transcript NM_001165963.4 (MANE Select); coding-DNA position 2284, A replaced by T.
Protein change: p.Asn762Tyr; replaces asparagine 762 with tyrosine.
Molecular consequence: missense variant. On other transcripts: 5 prime UTR variant (1), non-coding transcript variant (1).
Genome position (GRCh38, 1-based): chr2:166,041,362, T>A on the plus strand (A>T on the coding strand, the complement: SCN1A is on the minus strand). VCF-style: chr2-166041362-T-A. GRCh37 (hg19) VCF-style: chr2-166897872-T-A.
Other names: c.2200A>T, p.Asn734Tyr (NM_001165964.3, NM_001353957.2, NM_001353958.2); c.2284A>T, p.Asn762Tyr (NM_001202435.3, NM_001353948.2); c.2251A>T, p.Asn751Tyr (NM_001353949.2, NM_001353950.2, NM_001353951.2 and 2 more transcripts); c.2248A>T, p.Asn750Tyr (NM_001353954.2, NM_001353955.2); c.2197A>T, p.Asn733Tyr (NM_001353960.2); c.-175A>T (NM_001353961.2); short protein forms N733Y, N734Y, N750Y, N751Y, N762Y.
Identifiers: ClinVar variation 3362093 (VCV003362093.1).
Genomic context (GRCh38, chr2:166,041,362, plus strand): 5'-TATTTAAGACAATACAGATGGTGATGGCCAGGTCAACAAATGGGTCCATCACAACCAGGT[T>A]GACAACATGTTTCACTTTTAACCAATATGGAGAACAGTCCCAGATTAAGAATATGTTGGA-3'
Protein context (NP_001159435.1, residues 752-772): PYWLKVKHVV[Asn762Tyr]LVVMDPFVDL